The following is an entry in ClinVar:

NM_033087.4(ALG2):c.212C>G (p.Ala71Gly)

Gene: ALG2 (ALG2 alpha-1,3/1,6-mannosyltransferase; minus strand). Cytogenetic location: 9q22.33.
Variant type: single nucleotide variant.
Coding change: c.212C>G on transcript NM_033087.4 (MANE Select); coding-DNA position 212, C replaced by G.
Protein change: p.Ala71Gly; replaces alanine 71 with glycine.
Molecular consequence: missense variant. On other transcripts: non-coding transcript variant (1).
Genome position (GRCh38, 1-based): chr9:99,221,683, G>C on the plus strand (C>G on the coding strand, the complement: ALG2 is on the minus strand). VCF-style: chr9-99221683-G-C. GRCh37 (hg19) VCF-style: chr9-101983965-G-C.
Other names: short protein forms A71G.
Identifiers: ClinVar variation 917751 (VCV000917751.13), dbSNP rs551744220, ClinGen allele CA5156447.

ClinVar aggregate classification (germline): Uncertain significance. Review status: criteria provided, multiple submitters, no conflicts (2 of 4 stars). 4 submissions from 4 submitters: Uncertain significance (4). Last evaluated 2024-10-18.

Conditions:
Inborn genetic diseases. Identifiers: MedGen C0950123, MeSH D030342.
Congenital myasthenic syndrome 14. Also called: Myasthenic syndrome, congenital, 14, with tubular aggregates. Identifiers: Orphanet 353327, Orphanet 590, MedGen C4015597, MONDO:0014543, OMIM 616228.
Congenital disorder of glycosylation, type Ii. Also called: CDG Ii; ALG2-congenital disorder of glycosylation; ALG2-CDG. Identifiers: Orphanet 79326, MedGen C1842836, MONDO:0011933, OMIM 607906.

Allele frequency attached by ClinVar (database versions not stated): TOPMed 0.00011.

Submissions (4):

Labcorp Genetics (formerly Invitae), Labcorp
Classification: Uncertain significance for Congenital disorder of glycosylation, type Ii; Congenital myasthenic syndrome 14. Last evaluated: 2024-10-18. Review status: criteria provided, single submitter. Criteria: Invitae Variant Classification Sherloc (09022015). Collection method: clinical testing. Allele origin: germline.
Comment: This sequence change replaces alanine, which is neutral and non-polar, with glycine, which is neutral and non-polar, at codon 71 of the ALG2 protein (p.Ala71Gly). This variant is present in population databases (rs551744220, gnomAD 0.008%). This variant has not been reported in the literature in individuals affected with ALG2-related conditions. ClinVar contains an entry for this variant (Variation ID: 917751). An algorithm developed to predict the effect of missense changes on protein structure and function (PolyPhen-2) suggests that this variant is likely to be disruptive. In summary, the available evidence is currently insufficient to determine the role of this variant in disease. Therefore, it has been classified as a Variant of Uncertain Significance.

Ambry Genetics
Classification: Uncertain significance for Inborn genetic diseases. Last evaluated: 2023-01-18. Review status: criteria provided, single submitter. Criteria: Ambry Variant Classification Scheme 2023. Collection method: clinical testing. Allele origin: germline.

Women's Health and Genetics/Laboratory Corporation of America, LabCorp
Classification: Uncertain significance. Last evaluated: 2020-04-23. Review status: criteria provided, single submitter. Criteria: LabCorp Variant Classification Summary - May 2015. Collection method: clinical testing. Allele origin: germline.
Comment: Variant summary: ALG2 c.212C>G (p.Ala71Gly) results in a non-conservative amino acid change located in the N-terminal domain (IPR028098) of the encoded protein sequence. Three of five in-silico tools predict a damaging effect of the variant on protein function. The variant allele was found at a frequency of 2.3e-05 in 172310 control chromosomes (gnomAD v2). The available data on variant occurrences in the general population are insufficient to allow any conclusion about variant significance. To our knowledge, no occurrence of c.212C>G in individuals affected with Congenital Disorder of Glycosylation, Type 1i and no experimental evidence demonstrating its impact on protein function have been reported. No clinical diagnostic laboratories have submitted clinical-significance assessments for this variant to ClinVar after 2014. Based on the evidence outlined above, the variant was classified as uncertain significance.

GeneDx
Classification: Uncertain significance. Last evaluated: 2019-11-04. Review status: criteria provided, single submitter. Criteria: GeneDx Variant Classification Process June 2021. Collection method: clinical testing. Allele origin: germline. Affected: yes.
Comment: Has not been previously published as pathogenic or benign to our knowledge; Not observed at a significant frequency in large population cohorts (Lek et al., 2016); In silico analysis, which includes protein predictors and evolutionary conservation, supports that this variant does not alter protein structure/function